The following is an entry in ClinVar:

ClinVar aggregate classification (germline): Uncertain significance. Review status: criteria provided, multiple submitters, no conflicts (2 of 4 stars). 4 submissions from 4 submitters: Uncertain significance (4). Last evaluated 2024-03-22.

Conditions:
Hypertrophic cardiomyopathy 14. Identifiers: MedGen C2750467, MONDO:0013197, OMIM 613251.
Cardiovascular phenotype. Identifiers: MedGen CN230736.

Allele frequency attached by ClinVar (database versions not stated): TOPMed 0.00001.
gnomAD v4.1: 2 of 1,614,050 alleles (0.00012%); highest among the groups gnomAD compares: African/African-American, 0.0013%; no homozygotes.

Submissions (4):

Ambry Genetics
Classification: Uncertain significance for Cardiovascular phenotype. Last evaluated: 2024-03-22. Review status: criteria provided, single submitter. Criteria: Ambry Variant Classification Scheme 2023. Collection method: clinical testing. Allele origin: germline.
Comment: The p.N409K variant (also known as c.1227C>A), located in coding exon 11 of the MYH6 gene, results from a C to A substitution at nucleotide position 1227. The asparagine at codon 409 is replaced by lysine, an amino acid with similar properties. This amino acid position is conserved. In addition, this alteration is predicted to be tolerated by in silico analysis. Since supporting evidence is limited at this time, the clinical significance of this alteration remains unclear.

GeneDx
Classification: Uncertain significance. Last evaluated: 2024-03-18. Review status: criteria provided, single submitter. Criteria: GeneDx Variant Classification Process June 2021. Collection method: clinical testing. Allele origin: germline. Affected: yes.
Comment: Not observed at significant frequency in large population cohorts (gnomAD); In silico analysis supports that this missense variant has a deleterious effect on protein structure/function; Has not been previously published as pathogenic or benign to our knowledge

Revvity Omics, Revvity
Classification: Uncertain significance. Last evaluated: 2023-07-12. Review status: criteria provided, single submitter. Criteria: ACMG Guidelines, 2015. Collection method: clinical testing. Allele origin: germline.

Labcorp Genetics (formerly Invitae), Labcorp
Classification: Uncertain significance for Hypertrophic cardiomyopathy 14. Last evaluated: 2022-06-01. Review status: criteria provided, single submitter. Criteria: Invitae Variant Classification Sherloc (09022015). Collection method: clinical testing. Allele origin: germline.
Comment: This variant has not been reported in the literature in individuals affected with MYH6-related conditions. This sequence change replaces asparagine, which is neutral and polar, with lysine, which is basic and polar, at codon 409 of the MYH6 protein (p.Asn409Lys). This variant is not present in population databases (gnomAD no frequency). Algorithms developed to predict the effect of missense changes on protein structure and function are either unavailable or do not agree on the potential impact of this missense change (SIFT: "Tolerated"; PolyPhen-2: "Probably Damaging"; Align-GVGD: "Class C0"). In summary, the available evidence is currently insufficient to determine the role of this variant in disease. Therefore, it has been classified as a Variant of Uncertain Significance.

NM_002471.4(MYH6):c.1227C>A (p.Asn409Lys)

Gene: MYH6 (myosin heavy chain 6; minus strand). Cytogenetic location: 14q11.2.
Variant type: single nucleotide variant.
Coding change: c.1227C>A on transcript NM_002471.4 (MANE Select); coding-DNA position 1227, C replaced by A.
Protein change: p.Asn409Lys; replaces asparagine 409 with lysine.
Molecular consequence: missense variant.
Genome position (GRCh38, 1-based): chr14:23,400,892, G>T on the plus strand (C>A on the coding strand, the complement: MYH6 is on the minus strand). VCF-style: chr14-23400892-G-T. GRCh37 (hg19) VCF-style: chr14-23870101-G-T.
Other names: short protein forms N409K.
Identifiers: ClinVar variation 1754468 (VCV001754468.10), dbSNP rs752919716, ClinGen allele CA389024207.